The following is an entry in ClinVar:

ClinVar aggregate classification (germline): Uncertain significance (1 of 4 stars; one submission).

Submission:

GeneDx
Classification: Uncertain significance. Last evaluated: 2017-09-05. Review status: criteria provided, single submitter. Criteria: GeneDx Variant Classification (06012015). Collection method: clinical testing. Allele origin: germline. Affected: yes.
Comment: The D535G variant has not been published as a pathogenic variant, nor has it been reported as a benign variant to our knowledge. The D535G variant is not observed in large population cohorts (Lek et al., 2016; 1000 Genomes Consortium et al., 2015; Exome Variant Server). The D535G variant is a non-conservative amino acid substitution, which is likely to impact secondary protein structure as these residues differ in polarity, charge, size and/or other properties. This substitution occurs at a position that is conserved across species, and in silico analysis predicts this variant is probably damaging to the protein structure/function. In summary, based on the currently available information, it is unclear whether this variant is a pathogenic variant or a rare benign variant.

NM_000292.3(PHKA2):c.1604A>G (p.Asp535Gly)

Gene: PHKA2 (phosphorylase kinase regulatory subunit alpha 2; minus strand). Cytogenetic location: Xp22.13.
Variant type: single nucleotide variant.
Coding change: c.1604A>G on transcript NM_000292.3 (MANE Select); coding-DNA position 1604, A replaced by G.
Protein change: p.Asp535Gly; replaces aspartic acid 535 with glycine.
Molecular consequence: missense variant.
Genome position (GRCh38, 1-based): chrX:18,924,491, T>C on the plus strand (A>G on the coding strand, the complement: PHKA2 is on the minus strand). VCF-style: chrX-18924491-T-C. GRCh37 (hg19) VCF-style: chrX-18942609-T-C.
Other names: short protein forms D535G.
Identifiers: ClinVar variation 451085 (VCV000451085.2), dbSNP rs1556002468, ClinGen allele CA412391592.